The following is an entry in ClinVar:

ClinVar aggregate classification (germline): Likely pathogenic (1 of 4 stars; one submission).

Conditions:
Hereditary cancer-predisposing syndrome. Also called: Tumor predisposition; Hereditary Cancer Syndrome; Neoplastic Syndromes, Hereditary; Hereditary neoplastic syndrome. Identifiers: Orphanet 140162, MedGen C0027672, MeSH D009386, MONDO:0015356.

Submission:

Ambry Genetics
Classification: Likely pathogenic for Hereditary cancer-predisposing syndrome. Last evaluated: 2020-09-29. Review status: criteria provided, single submitter. Criteria: Ambry Variant Classification Scheme 2023. Collection method: clinical testing. Allele origin: germline.
Comment: The c.2555+1G>C intronic variant results from a G to C substitution one nucleotide after coding exon 11 of the BLM gene. This nucleotide position is highly conserved in available vertebrate species. In silico splice site analysis predicts that this alteration will weaken the native splice donor site. Alterations that disrupt the canonical splice site are expected to cause aberrant splicing, resulting in an abnormal protein or a transcript that is subject to nonsense-mediated mRNA decay. As such, this alteration is classified as likely pathogenic.

NM_000057.4(BLM):c.2555+1G>C

Gene: BLM (BLM RecQ like helicase; plus strand). Cytogenetic location: 15q26.1.
Variant type: single nucleotide variant.
Coding change: c.2555+1G>C on transcript NM_000057.4 (MANE Select); the canonical splice donor site of the intron after coding-DNA position 2555, G replaced by C.
Molecular consequence: splice donor variant.
Genome position (GRCh38, 1-based): chr15:90,769,587, G>C. VCF-style: chr15-90769587-G-C. GRCh37 (hg19) VCF-style: chr15-91312817-G-C.
Other names: c.2555+1G>C (NM_001287246.2, NM_001287247.2); c.1430+1G>C (NM_001287248.2).
Identifiers: ClinVar variation 1793001 (VCV001793001.2), dbSNP rs1555420917, ClinGen allele CA393845569.